The following is an entry in ClinVar:

ClinVar aggregate classification (germline): Pathogenic. Review status: criteria provided, single submitter (1 of 4 stars). 2 submissions from 2 submitters: Pathogenic (1). 1 of the submissions does not count toward it. Last evaluated 2024-01-02.

Conditions:
Metaphyseal chondrodysplasia, Schmid type (MCDS). Also called: SPONDYLOMETAPHYSEAL DYSPLASIA, JAPANESE TYPE. Identifiers: Orphanet 174, MedGen C0265289, MONDO:0007983, OMIM 156500.

Submissions (2):

Labcorp Genetics (formerly Invitae), Labcorp
Classification: Pathogenic. Last evaluated: 2024-01-02. Review status: criteria provided, single submitter. Criteria: Invitae Variant Classification Sherloc (09022015). Collection method: clinical testing. Allele origin: germline.
Comment: This sequence change creates a premature translational stop signal (p.Tyr632*) in the COL10A1 gene. While this is not anticipated to result in nonsense mediated decay, it is expected to disrupt the last 49 amino acid(s) of the COL10A1 protein. This variant is not present in population databases (gnomAD no frequency). This premature translational stop signal has been observed in individuals with clinical features of autosomal dominant metaphyseal chondrodysplasia, Schmid type (PMID: 9708440, 12554676, 20872587). ClinVar contains an entry for this variant (Variation ID: 17478). Algorithms developed to predict the effect of variants on protein structure and function are not available or were not evaluated for this variant. Experimental studies have shown that this premature translational stop signal affects COL10A1 function (PMID: 12554676, 20872587). This variant is located in a region of the COL10A1 protein where a significant number of COL10A1 nonsense and frameshift mutations have been reported in association with autosomal dominant metaphyseal chondrodysplasia (PMID: 21447328, 33764685, 36400164). For these reasons, this variant has been classified as Pathogenic.

OMIM
Classification: Pathogenic for METAPHYSEAL CHONDRODYSPLASIA, SCHMID TYPE. Last evaluated: 2003-02-01. Review status: no assertion criteria provided. Collection method: literature only. Allele origin: germline. Not counted in ClinVar's aggregate classification.

Literature cited by the submitters: PubMed 9708440 (cited by Labcorp Genetics (formerly Invitae), Labcorp); PubMed 12554676 (cited by Labcorp Genetics (formerly Invitae), Labcorp and OMIM); PubMed 20872587 (cited by Labcorp Genetics (formerly Invitae), Labcorp); PubMed 21447328 (cited by Labcorp Genetics (formerly Invitae), Labcorp); PubMed 33764685 (cited by Labcorp Genetics (formerly Invitae), Labcorp); PubMed 36400164 (cited by Labcorp Genetics (formerly Invitae), Labcorp); PubMed 9525992 (cited by OMIM).

NM_000493.4(COL10A1):c.1896C>A (p.Tyr632Ter)

Genes: NT5DC1 (5'-nucleotidase domain containing 1; plus strand), COL10A1 (collagen type X alpha 1 chain; minus strand). Cytogenetic location: 6q22.1.
Variant type: single nucleotide variant.
Coding change: c.1896C>A on transcript NM_000493.4 (MANE Select); coding-DNA position 1896, C replaced by A.
Protein change: p.Tyr632Ter; replaces tyrosine 632 with a stop codon.
Molecular consequence: nonsense. On other transcripts: intron variant (1).
Genome position (GRCh38, 1-based): chr6:116,120,220, G>T on the plus strand (C>A on the coding strand, the complement: COL10A1 is on the minus strand). VCF-style: chr6-116120220-G-T. GRCh37 (hg19) VCF-style: chr6-116441383-G-T.
Other names: c.1896C>A, p.Tyr632Ter (NM_001424106.1, NM_001424107.1); c.529+2275G>T (NM_152729.3); short protein forms Y632*.
Identifiers: ClinVar variation 17478 (VCV000017478.10), dbSNP rs111033548, ClinGen allele CA127221.